The following is an entry in ClinVar:

ClinVar aggregate classification (germline): Uncertain significance (1 of 4 stars; one submission).

Allele frequency attached by ClinVar (database versions not stated): TOPMed below 0.00001; ExAC 0.00001; gnomAD exomes 0.00001.
gnomAD v4.1: 6 of 1,613,964 alleles (0.00037%); highest among the groups gnomAD compares: Admixed American, 0.01%; no homozygotes.

Submission:

Ambry Genetics
Classification: Uncertain significance. Last evaluated: 2023-12-29. Review status: criteria provided, single submitter. Criteria: Ambry Variant Classification Scheme 2023. Collection method: clinical testing. Allele origin: germline.
Comment: The p.V250I variant (also known as c.748G>A), located in coding exon 2 of the TERF2IP gene, results from a G to A substitution at nucleotide position 748. The valine at codon 250 is replaced by isoleucine, an amino acid with highly similar properties. This amino acid position is conserved. In addition, this alteration is predicted to be tolerated by in silico analysis. Since supporting evidence is limited at this time, the clinical significance of this alteration remains unclear.

NM_018975.4(TERF2IP):c.748G>A (p.Val250Ile)

Gene: TERF2IP (TERF2 interacting protein; plus strand). Cytogenetic location: 16q23.1.
Variant type: single nucleotide variant.
Coding change: c.748G>A on transcript NM_018975.4 (MANE Select); coding-DNA position 748, G replaced by A.
Protein change: p.Val250Ile; replaces valine 250 with isoleucine.
Molecular consequence: missense variant. On other transcripts: non-coding transcript variant (1).
Genome position (GRCh38, 1-based): chr16:75,654,350, G>A. VCF-style: chr16-75654350-G-A. GRCh37 (hg19) VCF-style: chr16-75688248-G-A.
Other names: short protein forms V250I.
Identifiers: ClinVar variation 1759147 (VCV001759147.2), dbSNP rs767622383, ClinGen allele CA8178069.